The following is an entry in ClinVar:

ClinVar aggregate classification (germline): Pathogenic (1 of 4 stars; one submission).

Conditions:
Osteogenesis imperfecta type I (OI1). Also called: OI, TYPE I; OSTEOGENESIS IMPERFECTA TARDA; OSTEOGENESIS IMPERFECTA WITH BLUE SCLERAE; Osteogenesis imperfecta type 1; Lobstein's Disease; Lobstein disease. Identifiers: Orphanet 216796, Orphanet 666, MedGen C0023931, MONDO:0008146, OMIM 166200. Disease mechanism: loss of function.
Ehlers-Danlos syndrome, classic type, 1 (EDSCL1). Also called: EHLERS-DANLOS SYNDROME, GRAVIS TYPE; EHLERS-DANLOS SYNDROME, SEVERE CLASSIC TYPE; Ehlers-Danlos syndrome, type 1; EDS I; Ehlers-Danlos Syndrome, Classic Type, COL5A1-Related. Identifiers: MedGen C0268335, MONDO:0019567, OMIM 130000.

Allele frequency attached by ClinVar (database versions not stated): gnomAD exomes below 0.00001.

Submission:

Labcorp Genetics (formerly Invitae), Labcorp
Classification: Pathogenic for Osteogenesis imperfecta type I; Ehlers-Danlos syndrome, classic type, 1. Last evaluated: 2021-05-14. Review status: criteria provided, single submitter. Criteria: Invitae Variant Classification Sherloc (09022015). Collection method: clinical testing. Allele origin: germline.
Comment: This sequence change creates a premature translational stop signal (p.Gly1093Valfs*11) in the COL1A2 gene. It is expected to result in an absent or disrupted protein product. Loss-of-function variants in COL1A2 are known to be pathogenic (PMID: 11288717, 15077201). This variant is not present in population databases (ExAC no frequency). This variant has not been reported in the literature in individuals with COL1A2-related conditions. For these reasons, this variant has been classified as Pathogenic.

Literature cited by the submitters: PubMed 11288717; PubMed 15077201.

NM_000089.4(COL1A2):c.3276del (p.Gly1093fs)

Gene: COL1A2 (collagen type I alpha 2 chain; plus strand). Cytogenetic location: 7q21.3.
Variant type: Deletion.
Coding change: c.3276del on transcript NM_000089.4 (MANE Select); coding-DNA position 3276, one base deleted (T; older notation c.3276delT).
Protein change: p.Gly1093fs; shifts the reading frame from glycine 1093.
Molecular consequence: frameshift variant.
Genome position (GRCh38, 1-based): chr7:94,427,635, T deleted. VCF-style (leftmost placement, unchanged base first): chr7-94427634-CT-C. GRCh37 (hg19) VCF-style: chr7-94056946-CT-C.
Other names: short protein forms G1093fs.
Identifiers: ClinVar variation 1365880 (VCV001365880.6), dbSNP rs1173518955, ClinGen allele CA576707128.